The following is an entry in ClinVar:

ClinVar aggregate classification (germline): Uncertain significance (1 of 4 stars; one submission).

Submission:

GeneDx
Classification: Uncertain significance. Last evaluated: 2022-06-03. Review status: criteria provided, single submitter. Criteria: GeneDx Variant Classification Process June 2021. Collection method: clinical testing. Allele origin: germline. Affected: yes.
Comment: Has not been previously published as pathogenic or benign to our knowledge; Not observed at significant frequency in large population cohorts (gnomAD); In silico analysis supports that this variant does not alter splicing

NM_001042492.3(NF1):c.1185+5G>T

Gene: NF1 (neurofibromin 1; plus strand). Cytogenetic location: 17q11.2.
Variant type: single nucleotide variant.
Coding change: c.1185+5G>T on transcript NM_001042492.3 (MANE Select); 5 bases into the intron after coding-DNA position 1185, G replaced by T.
Molecular consequence: intron variant.
Genome position (GRCh38, 1-based): chr17:31,201,164, G>T. VCF-style: chr17-31201164-G-T. GRCh37 (hg19) VCF-style: chr17-29528182-G-T.
Other names: c.1185+5G>T (NM_000267.4, NM_001128147.3).
Identifiers: ClinVar variation 1803380 (VCV001803380.1), dbSNP rs1597682182, ClinGen allele CA2580092946.